The following is an entry in ClinVar:

ClinVar aggregate classification (germline): Uncertain significance (1 of 4 stars; one submission).

Conditions:
Epilepsy. Also called: Seizure disorder. Identifiers: MedGen C0014544, MeSH D004827, MONDO:0005027.

Submission:

Labcorp Genetics (formerly Invitae), Labcorp
Classification: Uncertain significance for Epilepsy. Last evaluated: 2021-09-24. Review status: criteria provided, single submitter. Criteria: Invitae Variant Classification Sherloc (09022015). Collection method: clinical testing. Allele origin: germline.
Comment: This variant is not present in population databases (ExAC no frequency). In summary, the available evidence is currently insufficient to determine the role of this variant in disease. Therefore, it has been classified as a Variant of Uncertain Significance. Algorithms developed to predict the effect of missense changes on protein structure and function are either unavailable or do not agree on the potential impact of this missense change (SIFT: "Tolerated"; PolyPhen-2: "Possibly Damaging"; Align-GVGD: "Class C0"). This variant has not been reported in the literature in individuals affected with PIGQ-related conditions. This sequence change replaces glutamine with arginine at codon 249 of the PIGQ protein (p.Gln249Arg). The glutamine residue is highly conserved and there is a small physicochemical difference between glutamine and arginine.

NM_004204.5(PIGQ):c.746A>G (p.Gln249Arg)

Gene: PIGQ (phosphatidylinositol glycan anchor biosynthesis class Q; plus strand). Cytogenetic location: 16p13.3.
Variant type: single nucleotide variant.
Coding change: c.746A>G on transcript NM_004204.5 (MANE Select); coding-DNA position 746, A replaced by G.
Protein change: p.Gln249Arg; replaces glutamine 249 with arginine.
Molecular consequence: missense variant.
Genome position (GRCh38, 1-based): chr16:575,895, A>G. VCF-style: chr16-575895-A-G. GRCh37 (hg19) VCF-style: chr16-625895-A-G.
Other names: c.746A>G, p.Gln249Arg (NM_148920.4); short protein forms Q249R.
Identifiers: ClinVar variation 1477114 (VCV001477114.6), dbSNP rs2151045345, ClinGen allele CA394051717.